The following is an entry in ClinVar:

ClinVar aggregate classification (germline): Uncertain significance (1 of 4 stars; one submission).

Conditions:
Intellectual developmental disorder, X-linked, syndromic, Hedera type. Also called: Syndromic X-linked intellectual disability Hedera type. Identifiers: Orphanet 93952, MedGen C1845543, MONDO:0010319, OMIM 300423.

Allele frequency attached by ClinVar (database versions not stated): TOPMed below 0.00001; gnomAD 0.00001.
gnomAD v4.1: 1 of 1,208,508 alleles (0.000083%); highest among the groups gnomAD compares: African/African-American, 0.0018%; no homozygotes.

Submission:

Labcorp Genetics (formerly Invitae), Labcorp
Classification: Uncertain significance for Intellectual developmental disorder, X-linked, syndromic, Hedera type. Last evaluated: 2023-08-11. Review status: criteria provided, single submitter. Criteria: Invitae Variant Classification Sherloc (09022015). Collection method: clinical testing. Allele origin: germline.
Comment: This variant is not present in population databases (gnomAD no frequency). This sequence change replaces aspartic acid, which is acidic and polar, with asparagine, which is neutral and polar, at codon 57 of the ATP6AP2 protein (p.Asp57Asn). In summary, the available evidence is currently insufficient to determine the role of this variant in disease. Therefore, it has been classified as a Variant of Uncertain Significance. An algorithm developed to predict the effect of missense changes on protein structure and function (PolyPhen-2) suggests that this variant is likely to be tolerated. This variant has not been reported in the literature in individuals affected with ATP6AP2-related conditions.

NM_005765.3(ATP6AP2):c.169G>A (p.Asp57Asn)

Gene: ATP6AP2 (ATPase H+ transporting accessory protein 2; plus strand). Cytogenetic location: Xp11.4.
Variant type: single nucleotide variant.
Coding change: c.169G>A on transcript NM_005765.3 (MANE Select); coding-DNA position 169, G replaced by A.
Protein change: p.Asp57Asn; replaces aspartic acid 57 with asparagine.
Molecular consequence: missense variant.
Genome position (GRCh38, 1-based): chrX:40,591,234, G>A. VCF-style: chrX-40591234-G-A. GRCh37 (hg19) VCF-style: chrX-40450486-G-A.
Other names: short protein forms D57N.
Identifiers: ClinVar variation 2752206 (VCV002752206.3), dbSNP rs1197920470, ClinGen allele CA412753809.